The following is an entry in ClinVar:

ClinVar aggregate classification (germline): Uncertain significance. Review status: criteria provided, multiple submitters, no conflicts (2 of 4 stars). 2 submissions from 2 submitters: Uncertain significance (2). Last evaluated 2025-11-03.

Allele frequency attached by ClinVar (database versions not stated): gnomAD 0.00001; gnomAD exomes 0.00001 and 0.00003; TOPMed 0.00002; ExAC 0.00003; ESP Exome Variant Server 0.00008.
gnomAD v4.1: 17 of 1,613,842 alleles (0.0011%); highest among the groups gnomAD compares: Middle Eastern, 0.016%; no homozygotes.

Submissions (2):

Labcorp Genetics (formerly Invitae), Labcorp
Classification: Uncertain significance. Last evaluated: 2025-11-03. Review status: criteria provided, single submitter. Criteria: Invitae Variant Classification Sherloc (09022015). Collection method: clinical testing. Allele origin: germline.
Comment: This sequence change falls in intron 4 of the GNAS gene. It does not directly change the encoded amino acid sequence of the GNAS protein. It affects a nucleotide within the consensus splice site. This variant is present in population databases (rs371359864, gnomAD 0.01%). This variant has not been reported in the literature in individuals affected with GNAS-related conditions. ClinVar contains an entry for this variant (Variation ID: 502618). Variants that disrupt the consensus splice site are a relatively common cause of aberrant splicing (PMID: 17576681, 9536098). Algorithms developed to predict the effect of sequence changes on RNA splicing suggest that this variant is not likely to affect RNA splicing. In summary, the available evidence is currently insufficient to determine the role of this variant in disease. Therefore, it has been classified as a Variant of Uncertain Significance.

Eurofins Ntd Llc (ga)
Classification: Uncertain significance. Last evaluated: 2017-06-28. Review status: criteria provided, single submitter. Criteria: EGL Classification Definitions 2015. Collection method: clinical testing. Allele origin: germline. Observed: 1 variant allele, 1 heterozygote.

Literature cited by the submitters: PubMed 17576681 (cited by Labcorp Genetics (formerly Invitae), Labcorp); PubMed 9536098 (cited by Labcorp Genetics (formerly Invitae), Labcorp).

NM_000516.7(GNAS):c.312+4C>T

Gene: GNAS (GNAS complex locus; plus strand). Cytogenetic location: 20q13.32.
Variant type: single nucleotide variant.
Coding change: c.312+4C>T on transcript NM_000516.7 (MANE Select); 4 bases into the intron after coding-DNA position 312, C replaced by T.
Molecular consequence: intron variant.
Genome position (GRCh38, 1-based): chr20:58,903,589, C>T. VCF-style: chr20-58903589-C-T. GRCh37 (hg19) VCF-style: chr20-57478644-C-T.
Other names: c.*218+4C>T (NM_016592.5); c.135+4C>T (NM_001309861.2, NM_001309840.2); c.*173+4C>T (NM_001077490.3); c.2241+4C>T (NM_080425.4); c.315+4C>T (NM_001077488.5); c.270+4C>T (NM_080426.4); c.267+4C>T (NM_001077489.4).
Identifiers: ClinVar variation 502618 (VCV000502618.9), dbSNP rs371359864, ClinGen allele CA9927030.